The following is an entry in ClinVar:

ClinVar aggregate classification (germline): Uncertain significance (1 of 4 stars; one submission).

Allele frequency attached by ClinVar (database versions not stated): gnomAD exomes below 0.00001 and 0.00002; ExAC 0.00002; gnomAD 0.00007 and 0.00008; TOPMed 0.00011.
gnomAD v4.1: 13 of 1,613,638 alleles (0.00081%); highest among the groups gnomAD compares: African/African-American, 0.016%; no homozygotes.

Submission:

Labcorp Genetics (formerly Invitae), Labcorp
Classification: Uncertain significance. Last evaluated: 2021-12-13. Review status: criteria provided, single submitter. Criteria: Invitae Variant Classification Sherloc (09022015). Collection method: clinical testing. Allele origin: germline.
Comment: This sequence change replaces alanine, which is neutral and non-polar, with valine, which is neutral and non-polar, at codon 1060 of the PCDH15 protein (p.Ala1060Val). This variant is present in population databases (rs766295206, gnomAD 0.03%). This variant has not been reported in the literature in individuals affected with PCDH15-related conditions. Algorithms developed to predict the effect of missense changes on protein structure and function are either unavailable or do not agree on the potential impact of this missense change (SIFT: "Deleterious"; PolyPhen-2: "Probably Damaging"; Align-GVGD: "Class C0"). In summary, the available evidence is currently insufficient to determine the role of this variant in disease. Therefore, it has been classified as a Variant of Uncertain Significance.

NM_001384140.1(PCDH15):c.3179C>T (p.Ala1060Val)

Gene: PCDH15 (protocadherin related 15; minus strand). Cytogenetic location: 10q21.1.
Variant type: single nucleotide variant.
Coding change: c.3179C>T on transcript NM_001384140.1 (MANE Select); coding-DNA position 3179, C replaced by T.
Protein change: p.Ala1060Val; replaces alanine 1060 with valine.
Molecular consequence: missense variant.
Genome position (GRCh38, 1-based): chr10:53,940,919, G>A on the plus strand (C>T on the coding strand, the complement: PCDH15 is on the minus strand). VCF-style: chr10-53940919-G-A. GRCh37 (hg19) VCF-style: chr10-55700679-G-A.
Other names: c.3194C>T, p.Ala1065Val (NM_001142763.2, NM_001142771.2); c.3179C>T, p.Ala1060Val (NM_001142764.2, NM_001142766.2, NM_001142770.3 and 4 more transcripts); c.2966C>T, p.Ala989Val (NM_001142765.2); c.3068C>T, p.Ala1023Val (NM_001142767.2); c.3113C>T, p.Ala1038Val (NM_001142768.2, NM_001142773.2, NM_001354404.2); c.3215C>T, p.Ala1072Val (NM_001142769.4); c.3200C>T, p.Ala1067Val (NM_001354411.2); short protein forms A1038V, A1072V, A989V, A1023V, A1060V, A1067V, A1065V.
Identifiers: ClinVar variation 1402319 (VCV001402319.3), dbSNP rs766295206, ClinGen allele CA5505780.